The following is an entry in ClinVar:

ClinVar aggregate classification (germline): Uncertain significance. Review status: criteria provided, multiple submitters, no conflicts (2 of 4 stars). 2 submissions from 2 submitters: Uncertain significance (2). Last evaluated 2025-07-12.

Conditions:
Epileptic encephalopathy. Identifiers: MedGen C0543888, HP:0200134.

Allele frequency attached by ClinVar (database versions not stated): TOPMed 0.00002; ESP Exome Variant Server 0.00008.

Submissions (2):

Ambry Genetics
Classification: Uncertain significance. Last evaluated: 2025-07-12. Review status: criteria provided, single submitter. Criteria: Ambry Variant Classification Scheme 2023. Collection method: clinical testing. Allele origin: germline.

Labcorp Genetics (formerly Invitae), Labcorp
Classification: Uncertain significance for Epileptic encephalopathy. Last evaluated: 2024-12-04. Review status: criteria provided, single submitter. Criteria: Invitae Variant Classification Sherloc (09022015). Collection method: clinical testing. Allele origin: germline.
Comment: This sequence change replaces alanine, which is neutral and non-polar, with threonine, which is neutral and polar, at codon 415 of the FASN protein (p.Ala415Thr). This variant is present in population databases (rs376821046, gnomAD 0.008%). This variant has not been reported in the literature in individuals affected with FASN-related conditions. ClinVar contains an entry for this variant (Variation ID: 1014866). An algorithm developed to predict the effect of missense changes on protein structure and function outputs the following: PolyPhen-2: "Benign". The threonine amino acid residue is found in multiple mammalian species, which suggests that this missense change does not adversely affect protein function. In summary, the available evidence is currently insufficient to determine the role of this variant in disease. Therefore, it has been classified as a Variant of Uncertain Significance.

NM_004104.5(FASN):c.1243G>A (p.Ala415Thr)

Gene: FASN (fatty acid synthase; minus strand). Cytogenetic location: 17q25.3.
Variant type: single nucleotide variant.
Coding change: c.1243G>A on transcript NM_004104.5 (MANE Select); coding-DNA position 1243, G replaced by A.
Protein change: p.Ala415Thr; replaces alanine 415 with threonine.
Molecular consequence: missense variant.
Genome position (GRCh38, 1-based): chr17:82,091,471, C>T on the plus strand (G>A on the coding strand, the complement: FASN is on the minus strand). VCF-style: chr17-82091471-C-T. GRCh37 (hg19) VCF-style: chr17-80049347-C-T.
Other names: c.1243G>A (NM_004104.4); short protein forms A415T.
Identifiers: ClinVar variation 1014866 (VCV001014866.9), dbSNP rs376821046, ClinGen allele CA8853215.
Genomic context (GRCh38, chr17:82,091,471, plus strand): 5'-GCACGGCCTCAGGGGTGCGTCCGCTGGCCCGCAGCAGACGGGGCAGGGTGGCATGTGGGG[C>T]GGGTGCGGGGGGCGGCTGCGTGTTGGGCCTCAGGATGATGTGCACGTTGGAGCCCCCGAA-3'
Protein context (NP_004095.4, residues 405-425): RPNTQPPPAP[Ala415Thr]PHATLPRLLR